The following is an entry in ClinVar:

ClinVar aggregate classification (germline): Pathogenic (1 of 4 stars; one submission).

Submission:

ISCA Site 6
Classification: Pathogenic. Last evaluated: 2011-08-12. Review status: criteria provided, single submitter. Criteria: Kaminsky et al. (Genet Med. 2011). Collection method: clinical testing. Allele origin: de novo. Affected: yes. Observed: 1 variant allele.
Comment: Copy number variation identified through the course of routine clinical cytogenomic testing in postnatal populations. Clinical assertions have been curated as described in Kaminsky et al. 2011.

GRCh38/hg38 1p36.33-36.32(chr1:870177-4426613)x1

Genes: ACAP3 (ArfGAP with coiled-coil, ankyrin repeat and PH domains 3; minus strand), ACTRT2 (actin related protein T2; plus strand), AGRN (agrin; plus strand), ANKRD65 (ankyrin repeat domain 65; minus strand), ANKRD65-AS1 (ANKRD65 antisense RNA 1; plus strand) and 322 more. Cytogenetic location: 1p36.33-36.32.
Variant type: copy number loss.
Change: copy number 1 (one copy instead of two) of chr1:870,177-4,426,613 (3.56 Mb, GRCh38 coordinates, 1-based), cytogenetic band 1p36.33-36.32.
Identifiers: ClinVar variation 58311 (VCV000058311.2).